The following is an entry in ClinVar:

NM_032043.3(BRIP1):c.1012G>A (p.Glu338Lys)

Gene: BRIP1 (BRCA1 interacting DNA helicase 1; minus strand). Cytogenetic location: 17q23.2.
Variant type: single nucleotide variant.
Coding change: c.1012G>A on transcript NM_032043.3 (MANE Select); coding-DNA position 1012, G replaced by A.
Protein change: p.Glu338Lys; replaces glutamic acid 338 with lysine.
Molecular consequence: missense variant.
Genome position (GRCh38, 1-based): chr17:61,801,381, C>T on the plus strand (G>A on the coding strand, the complement: BRIP1 is on the minus strand). VCF-style: chr17-61801381-C-T. GRCh37 (hg19) VCF-style: chr17-59878742-C-T.
Other names: short protein forms E338K.
Identifiers: ClinVar variation 461055 (VCV000461055.20), dbSNP rs777653224, ClinGen allele CA292286104.

ClinVar aggregate classification (germline): Uncertain significance. Review status: criteria provided, multiple submitters, no conflicts (2 of 4 stars). 5 submissions from 5 submitters: Uncertain significance (5). Last evaluated 2026-01-20.

Conditions:
BRIP1-related disorder. Also called: BRIP1-related condition; BRIP1-related disorders. Identifiers: MedGen CN239206.
Familial cancer of breast. Also called: Hereditary breast cancer; hereditary breast carcinoma; BREAST CANCER, FAMILIAL. Identifiers: Orphanet 227535, MedGen C0346153, MONDO:0016419, OMIM 114480. Disease mechanism: loss of function.
Fanconi anemia complementation group J. Also called: BRIP1-Related Fanconi Anemia. Identifiers: Orphanet 84, MedGen C1836860, MONDO:0012187, OMIM 609054.
Hereditary cancer-predisposing syndrome. Also called: Tumor predisposition; Hereditary neoplastic syndrome; Neoplastic Syndromes, Hereditary; Hereditary Cancer Syndrome. Identifiers: Orphanet 140162, MedGen C0027672, MeSH D009386, MONDO:0015356.

Allele frequency attached by ClinVar (database versions not stated): TOPMed 0.00001.
gnomAD v4.1: 11 of 1,613,964 alleles (0.00068%); highest among the groups gnomAD compares: Non-Finnish European, 0.00093%; no homozygotes.

Submissions (5):

PreventionGenetics, part of Exact Sciences
Classification: Uncertain significance for BRIP1-related condition. Last evaluated: 2026-01-20. Review status: criteria provided, single submitter. Criteria: ACMG Guidelines, 2015. Collection method: clinical testing. Allele origin: germline.
Comment: The BRIP1 c.1012G>A variant is predicted to result in the amino acid substitution p.Glu338Lys. This variant was reported in an individual with Fanconi anemia (Supp. Table 4, Molteni et al. 2023. PubMed ID: 37216690) and in an individual with breast cancer (Supp. Table 1, Easton et al. 2016. PubMed ID: 26921362). This variant has not been reported in a large population database (gnomAD), indicating this variant is rare. This variant is classified as uncertain in ClinVar (Variation ID: 461055). At this time, the clinical significance of this variant is uncertain due to the absence of conclusive functional and genetic evidence.

Ambry Genetics
Classification: Uncertain significance for Hereditary cancer-predisposing syndrome. Last evaluated: 2025-01-29. Review status: criteria provided, single submitter. Criteria: Ambry Variant Classification Scheme 2023. Collection method: clinical testing. Allele origin: germline.
Comment: The p.E338K variant (also known as c.1012G>A), located in coding exon 7 of the BRIP1 gene, results from a G to A substitution at nucleotide position 1012. The glutamic acid at codon 338 is replaced by lysine, an amino acid with similar properties. This alteration was detected in a heterozygous state in 1/13,213 breast cancer cases and 0/5,242 controls from the United Kingdom (Easton DF et al. J. Med. Genet., 2016 05;53:298-309).This amino acid position is highly conserved in available vertebrate species. In addition, this alteration is predicted to be deleterious by in silico analysis. Based on the available evidence, the clinical significance of this variant remains unclear.

Labcorp Genetics (formerly Invitae), Labcorp
Classification: Uncertain significance for Familial cancer of breast; Fanconi anemia complementation group J. Last evaluated: 2024-07-27. Review status: criteria provided, single submitter. Criteria: Invitae Variant Classification Sherloc (09022015). Collection method: clinical testing. Allele origin: germline.
Comment: This sequence change replaces glutamic acid, which is acidic and polar, with lysine, which is basic and polar, at codon 338 of the BRIP1 protein (p.Glu338Lys). This variant is not present in population databases (gnomAD no frequency). This missense change has been observed in individual(s) with clinical features of BRIP1-related conditions (PMID: 26921362, 37216690). ClinVar contains an entry for this variant (Variation ID: 461055). Advanced modeling of protein sequence and biophysical properties (such as structural, functional, and spatial information, amino acid conservation, physicochemical variation, residue mobility, and thermodynamic stability) performed at Invitae indicates that this missense variant is expected to disrupt BRIP1 protein function with a positive predictive value of 80%. RNA analysis performed to evaluate the impact of this missense change on mRNA splicing indicates it does not significantly alter splicing (Invitae). In summary, the available evidence is currently insufficient to determine the role of this variant in disease. Therefore, it has been classified as a Variant of Uncertain Significance.

Department of Pathology and Laboratory Medicine, Sinai Health System
Classification: Uncertain significance for Familial cancer of breast. Last evaluated: 2022-03-03. Review status: criteria provided, single submitter. Criteria: ACMG Guidelines, 2015. Collection method: clinical testing. Allele origin: germline. Affected: yes.

Color Diagnostics, LLC DBA Color Health
Classification: Uncertain significance for Hereditary cancer-predisposing syndrome. Last evaluated: 2019-03-18. Review status: criteria provided, single submitter. Criteria: ACMG Guidelines, 2015. Collection method: clinical testing. Allele origin: germline.

Literature cited by the submitters: PubMed 26921362 (cited by 3 submitters); PubMed 37216690 (cited by Labcorp Genetics (formerly Invitae), Labcorp).